The following is an entry in ClinVar:

NC_000002.11:g.(?_7968276)_(10192634_?)del

Genes: ADAM17 (ADAM metallopeptidase domain 17; minus strand), ASAP2 (ArfGAP with SH3 domain, ankyrin repeat and PH domain 2; plus strand), CPSF3 (cleavage and polyadenylation specific factor 3; plus strand), GRHL1 (grainyhead like transcription factor 1; plus strand), IAH1 (isoamyl acetate hydrolyzing esterase 1 (putative); plus strand) and 7 more. Cytogenetic location: 2p25.1.
Variant type: Deletion.
Identifiers: ClinVar variation 2426587 (VCV002426587.4).

ClinVar aggregate classification (germline): Pathogenic (1 of 4 stars; one submission).

Submission:

Labcorp Genetics (formerly Invitae), Labcorp
Classification: Pathogenic. Last evaluated: 2022-11-01. Review status: criteria provided, single submitter. Criteria: Invitae Variant Classification Sherloc (09022015). Collection method: clinical testing. Allele origin: germline.
Comment: This variant has not been reported in the literature in individuals affected with KIDINS220-related conditions. For these reasons, this variant has been classified as Pathogenic. A gross deletion of the genomic region encompassing the full coding sequence of the KIDINS220 gene has been identified. Loss-of-function variants in KIDINS220 are known to be pathogenic (PMID: 28934391, 32909676). The boundaries of this event are unknown as they extend beyond the assayed region for this gene and therefore may encompass additional genes.

Literature cited by the submitters: PubMed 28934391; PubMed 32909676.